The following is an entry in ClinVar:

NM_000431.4(MVK):c.644G>A (p.Arg215Gln)

Gene: MVK (mevalonate kinase; plus strand). Cytogenetic location: 12q24.11.
Variant type: single nucleotide variant.
Coding change: c.644G>A on transcript NM_000431.4 (MANE Select); coding-DNA position 644, G replaced by A.
Protein change: p.Arg215Gln; replaces arginine 215 with glutamine.
Molecular consequence: missense variant.
Genome position (GRCh38, 1-based): chr12:109,586,766, G>A. VCF-style: chr12-109586766-G-A. GRCh37 (hg19) VCF-style: chr12-110024571-G-A.
Other names: c.644G>A (NM_000431.2); c.644G>A, p.Arg215Gln (NM_001114185.3); c.488G>A, p.Arg163Gln (NM_001301182.2); short protein forms R215Q, R163Q.
Identifiers: ClinVar variation 97608 (VCV000097608.9), dbSNP rs104895303, ClinGen allele CA149870.
Genomic context (GRCh38, chr12:109,586,766, plus strand): 5'-ATATGTTAGCTTTTCCCACAGCTCTGACCCACTGGTTTTTCTCTTTAGGAGGAGCCCTCC[G>A]ATACCATCAAGGGAAGATTTCATCCTTAAAGAGGTAACCTGGGGGTGGAGCAGCACATTC-3'
Protein context (NP_000422.1, residues 205-225): NAVSTWGGAL[Arg215Gln]YHQGKISSLK

ClinVar aggregate classification (germline): Pathogenic/Likely pathogenic. Review status: criteria provided, multiple submitters, no conflicts (2 of 4 stars). 4 submissions from 4 submitters: Pathogenic (1); Likely pathogenic (2). 1 of the submissions does not count toward it. Last evaluated 2026-01-12.

Conditions:
MVK-related disorder. Also called: MVK-related disorders; MVK-related condition. Identifiers: MedGen CN239294.
Hyperimmunoglobulin D with periodic fever (HIDS). Also called: HYPERIMMUNOGLOBULINEMIA D AND PERIODIC FEVER SYNDROME; Hyperimmunoglobulinemia D with periodic fever; Hyperimmunoglobulinemia D. Identifiers: Orphanet 343, MedGen C0398691, MONDO:0009849, OMIM 260920.
Mevalonic aciduria (MEVA). Identifiers: Orphanet 29, MedGen C1959626, MONDO:0012481, OMIM 610377.
Porokeratosis 3, disseminated superficial actinic type (POROK3). Also called: POROKERATOSIS, DISSEMINATED SUPERFICIAL ACTINIC, 1; POROKERATOSIS 3, MULTIPLE TYPES; POROKERATOSIS 3, MIBELLI TYPE. Identifiers: MedGen C1867981, MONDO:0008293, OMIM 175900.

Allele frequency attached by ClinVar (database versions not stated): gnomAD exomes 0.00002 and 0.00003; TOPMed 0.00002; ExAC 0.00003; gnomAD 0.00005.
gnomAD v4.1: 47 of 1,613,994 alleles (0.0029%); highest among the groups gnomAD compares: Non-Finnish European, 0.0035%; no homozygotes.

Submissions (4):

Labcorp Genetics (formerly Invitae), Labcorp
Classification: Pathogenic for Mevalonic aciduria; Hyperimmunoglobulin D with periodic fever; Porokeratosis 3, disseminated superficial actinic type. Last evaluated: 2026-01-12. Review status: criteria provided, single submitter. Criteria: Invitae Variant Classification Sherloc (09022015). Collection method: clinical testing. Allele origin: germline.
Comment: This sequence change replaces arginine, which is basic and polar, with glutamine, which is neutral and polar, at codon 215 of the MVK protein (p.Arg215Gln). This variant is present in population databases (rs104895303, gnomAD 0.003%). This missense change has been observed in individual(s) with autosomal recessive mevalonate kinase deficiency (PMID: 11313769, 15536479, 26409462, 27213830). In at least one individual the data is consistent with being in trans (on the opposite chromosome) from a pathogenic variant. It has also been observed to segregate with disease in related individuals. ClinVar contains an entry for this variant (Variation ID: 97608). Invitae Evidence Modeling of protein sequence and biophysical properties (such as structural, functional, and spatial information, amino acid conservation, physicochemical variation, residue mobility, and thermodynamic stability) has been performed for this missense variant. However, the output from this modeling did not meet the statistical confidence thresholds required to predict the impact of this variant on MVK protein function. For these reasons, this variant has been classified as Pathogenic.

Blueprint Genetics
Classification: Likely pathogenic for MVK-related disorders. Last evaluated: 2023-10-31. Review status: criteria provided, single submitter. Criteria: ACMG Guidelines, 2015. Collection method: clinical testing. Allele origin: germline. Affected: yes. Observed: 4 variant alleles.

Victorian Clinical Genetics Services, Murdoch Childrens Research Institute
Classification: Likely pathogenic for Mevalonic aciduria. Last evaluated: 2021-05-06. Review status: criteria provided, single submitter. Criteria: ACMG Guidelines, 2015. Collection method: clinical testing. Allele origin: germline. Inheritance: Autosomal recessive inheritance.
Comment: Based on the classification scheme VCGS_Germline_v1.3.4, this variant is classified as Likely pathogenic. Following criteria are met: 0102 - Loss of function is a known mechanism of disease in this gene and is associated with autosomal recessive hyper-IgD syndrome (MIM#260920) and mevalonic aciduria (MIM#610377). (I) 0108 - This gene is associated with both recessive and dominant disease (OMIM). (I) 0200 - Variant is predicted to result in a missense amino acid change from arginine to glutamine. (I) 0251 - This variant is heterozygous. (I) 0304 - Variant is present in gnomAD <0.01 for a recessive condition (v3) (7 heterozygotes, 0 homozygotes). (SP) 0502 - Missense variant with conflicting in silico predictions and uninformative conservation. (I) 0604 - Variant is not located in an established domain, motif, hotspot or informative constraint region. (I) 0705 - No comparable missense variants have previous evidence for pathogenicity. Variant p.(Arg215Gly) has a higher Grantham score (GS = 125) and has been reported once in a patient with autosomal dominant porokeratosis (PMID: 24551296). (I) 0801 - This variant has strong previous evidence of pathogenicity in unrelated individuals. It is associated with hyper-IgD syndrome (Infevers database). There are at least 7 unrelated patients affected with mevalonate kinase deficiency who were identified as compound heterozygous for this variant plus another variant in the MVK gene. Multiple of these patients were in trans with the p.Val377Ile variant (PMIDs: 29047407, 26409462, 15536479, 11313769). (SP) 1007 - No published functional evidence has been identified for this variant. (I) Legend: (SP) - Supporting pathogenic, (I) - Information, (SB) - Supporting benign

Unité médicale des maladies autoinflammatoires, CHRU Montpellier
No classification provided. Condition: Hyperimmunoglobulin D with periodic fever. Review status: no classification provided. Collection method: not provided. Allele origin: unknown. Not counted in ClinVar's aggregate classification.
Comment: also involved in OMIM 25117

Literature cited by the submitters: PubMed 11313769 (cited by Labcorp Genetics (formerly Invitae), Labcorp and Victorian Clinical Genetics Services, Murdoch Childrens Research Institute); PubMed 15536479 (cited by Labcorp Genetics (formerly Invitae), Labcorp and Victorian Clinical Genetics Services, Murdoch Childrens Research Institute); PubMed 26409462 (cited by Labcorp Genetics (formerly Invitae), Labcorp and Victorian Clinical Genetics Services, Murdoch Childrens Research Institute); PubMed 27213830 (cited by Labcorp Genetics (formerly Invitae), Labcorp); PubMed 24551296 (cited by Victorian Clinical Genetics Services, Murdoch Childrens Research Institute); PubMed 29047407 (cited by Victorian Clinical Genetics Services, Murdoch Childrens Research Institute).